The following is an entry in ClinVar:

NM_198253.3(TERT):c.625G>A (p.Glu209Lys)

Gene: TERT (telomerase reverse transcriptase; minus strand). Cytogenetic location: 5p15.33.
Variant type: single nucleotide variant.
Coding change: c.625G>A on transcript NM_198253.3 (MANE Select); coding-DNA position 625, G replaced by A.
Protein change: p.Glu209Lys; replaces glutamic acid 209 with lysine.
Molecular consequence: missense variant. On other transcripts: non-coding transcript variant (2).
Genome position (GRCh38, 1-based): chr5:1,294,261, C>T on the plus strand (G>A on the coding strand, the complement: TERT is on the minus strand). VCF-style: chr5-1294261-C-T. GRCh37 (hg19) VCF-style: chr5-1294376-C-T.
Other names: c.625G>A, p.Glu209Lys (NM_001193376.3, NM_003219.1); short protein forms E209K.
Identifiers: ClinVar variation 2924094 (VCV002924094.4), dbSNP rs2478423261, ClinGen allele CA359057151.
Genomic context (GRCh38, chr5:1,294,261, plus strand): 5'-TGGCACTGCCCCCGCGCCTCCTCGCACCCGGGGCTGGCAGGCCCAGGGGGACCCCGGCCT[C>T]CCTGACGCTATGGTTCCAGGCCCGTTCGCATCCCAGACGCCTTCGGGGTCCACTAGCGTG-3'
Protein context (NP_937983.2, residues 199-219): CERAWNHSVR[Glu209Lys]AGVPLGLPAP

ClinVar aggregate classification (germline): Uncertain significance. Review status: criteria provided, multiple submitters, no conflicts (2 of 4 stars). 2 submissions from 2 submitters: Uncertain significance (2). Last evaluated 2024-01-07.

Conditions:
Dyskeratosis congenita, autosomal dominant 2. Identifiers: MedGen C3151443, MONDO:0013521, OMIM 613989.
Idiopathic Pulmonary Fibrosis. Also called: Idiopathic fibrosing alveolitis, chronic form; idiopathic fibrosing alveolitis. Identifiers: Orphanet 2032, MedGen C1800706, MeSH D054990, MONDO:0800504.
Dyskeratosis congenita. Identifiers: Orphanet 1775, MedGen C0265965, MONDO:0015780.

Submissions (2):

Ambry Genetics
Classification: Uncertain significance for Dyskeratosis congenita. Last evaluated: 2024-01-07. Review status: criteria provided, single submitter. Criteria: Ambry Variant Classification Scheme 2023. Collection method: clinical testing. Allele origin: germline.
Comment: The p.E209K variant (also known as c.625G>A), located in coding exon 2 of the TERT gene, results from a G to A substitution at nucleotide position 625. The glutamic acid at codon 209 is replaced by lysine, an amino acid with similar properties. This amino acid position is conserved. In addition, the in silico prediction for this alteration is inconclusive. Since supporting evidence is limited at this time, the clinical significance of this alteration remains unclear.

Labcorp Genetics (formerly Invitae), Labcorp
Classification: Uncertain significance for Dyskeratosis congenita, autosomal dominant 2; Idiopathic Pulmonary Fibrosis. Last evaluated: 2023-07-14. Review status: criteria provided, single submitter. Criteria: Invitae Variant Classification Sherloc (09022015). Collection method: clinical testing. Allele origin: germline.
Comment: This variant has not been reported in the literature in individuals affected with TERT-related conditions. This variant is not present in population databases (gnomAD no frequency). This sequence change replaces glutamic acid, which is acidic and polar, with lysine, which is basic and polar, at codon 209 of the TERT protein (p.Glu209Lys). Advanced modeling of protein sequence and biophysical properties (such as structural, functional, and spatial information, amino acid conservation, physicochemical variation, residue mobility, and thermodynamic stability) has been performed at Invitae for this missense variant, however the output from this modeling did not meet the statistical confidence thresholds required to predict the impact of this variant on TERT protein function. In summary, the available evidence is currently insufficient to determine the role of this variant in disease. Therefore, it has been classified as a Variant of Uncertain Significance.